The following is an entry in ClinVar:

ClinVar aggregate classification (germline): Benign. Review status: criteria provided, multiple submitters, no conflicts (2 of 4 stars). 3 submissions from 3 submitters: Benign (3). Last evaluated 2025-03-04.

Allele frequency attached by ClinVar (database versions not stated): gnomAD exomes 0.03048; ExAC 0.05528; gnomAD 0.08056; ESP Exome Variant Server 0.08251; TOPMed 0.09057; 1000 Genomes Project 0.10563; 1000 Genomes Project 30x 0.10775.
gnomAD v4.1: 30,969 of 1,466,642 alleles (2.1%); highest among the groups gnomAD compares: African/African-American, 28%; 3,179 homozygotes.

Submissions (3):

Center for Genomic Medicine, Rigshospitalet, Copenhagen University Hospital
Classification: Benign. Last evaluated: 2025-03-04. Review status: criteria provided, single submitter. Criteria: ACMG Guidelines, 2015. Collection method: clinical testing. Allele origin: germline.

GeneDx
Classification: Benign. Last evaluated: 2018-06-12. Review status: criteria provided, single submitter. Criteria: GeneDx Variant Classification (06012015). Collection method: clinical testing. Allele origin: germline. Affected: yes.
Comment: This variant is considered likely benign or benign based on one or more of the following criteria: it is a conservative change, it occurs at a poorly conserved position in the protein, it is predicted to be benign by multiple in silico algorithms, and/or has population frequency not consistent with disease.

Breakthrough Genomics
Classification: Benign. Review status: criteria provided, single submitter. Criteria: ACMG Guidelines, 2015. Collection method: not provided. Allele origin: germline. Inheritance: Autosomal dominant inheritance. Affected: yes.

NM_002691.4(POLD1):c.3218+32C>T

Gene: POLD1 (DNA polymerase delta 1, catalytic subunit; plus strand). Cytogenetic location: 19q13.33.
Variant type: single nucleotide variant.
Coding change: c.3218+32C>T on transcript NM_002691.4 (MANE Select); 32 bases into the intron after coding-DNA position 3218, C replaced by T.
Molecular consequence: intron variant.
Genome position (GRCh38, 1-based): chr19:50,417,301, C>T. VCF-style: chr19-50417301-C-T. GRCh37 (hg19) VCF-style: chr19-50920558-C-T.
Other names: c.3218+32C>T (NM_001256849.1); c.3296+32C>T (NM_001308632.1).
Identifiers: ClinVar variation 676552 (VCV000676552.9), dbSNP rs2463238, ClinGen allele CA9596802.